The following is an entry in ClinVar:

ClinVar aggregate classification (germline): Uncertain significance (1 of 4 stars; one submission).

Conditions:
Long QT syndrome (LQTS). Identifiers: MedGen C0023976, MeSH D008133, MONDO:0002442. Disease mechanism: loss of function. Inheritance: Various modes of inheritance.

Allele frequency attached by ClinVar (database versions not stated): gnomAD exomes below 0.00001.
gnomAD v4.1: 3 of 1,589,228 alleles (0.00019%); highest among the groups gnomAD compares: South Asian, 0.0011%; no homozygotes.

Submission:

Labcorp Genetics (formerly Invitae), Labcorp
Classification: Uncertain significance for Long QT syndrome. Last evaluated: 2020-09-01. Review status: criteria provided, single submitter. Criteria: Invitae Variant Classification Sherloc (09022015). Collection method: clinical testing. Allele origin: germline.
Comment: Algorithms developed to predict the effect of missense changes on protein structure and function (SIFT, PolyPhen-2, Align-GVGD) all suggest that this variant is likely to be tolerated, but these predictions have not been confirmed by published functional studies and their clinical significance is uncertain. This variant is not present in population databases (ExAC no frequency). This variant has not been reported in the literature in individuals with AKAP9-related conditions. In summary, the available evidence is currently insufficient to determine the role of this variant in disease. Therefore, it has been classified as a Variant of Uncertain Significance. This sequence change replaces histidine with asparagine at codon 1321 of the AKAP9 protein (p.His1321Asn). The histidine residue is moderately conserved and there is a small physicochemical difference between histidine and asparagine.

NM_005751.5(AKAP9):c.3961C>A (p.His1321Asn)

Gene: AKAP9 (A-kinase anchoring protein 9; plus strand). Cytogenetic location: 7q21.2.
Variant type: single nucleotide variant.
Coding change: c.3961C>A on transcript NM_005751.5 (MANE Select); coding-DNA position 3961, C replaced by A.
Protein change: p.His1321Asn; replaces histidine 1321 with asparagine.
Molecular consequence: missense variant.
Genome position (GRCh38, 1-based): chr7:92,022,822, C>A. VCF-style: chr7-92022822-C-A. GRCh37 (hg19) VCF-style: chr7-91652136-C-A.
Other names: c.3961C>A, p.His1321Asn (NM_147185.3); short protein forms H1321N.
Identifiers: ClinVar variation 1057929 (VCV001057929.9), dbSNP rs2130731806, ClinGen allele CA368127660.